The following is an entry in ClinVar:

ClinVar aggregate classification (germline): Uncertain significance (1 of 4 stars; one submission).

Conditions:
Charcot-Marie-Tooth disease recessive intermediate C. Also called: CHARCOT-MARIE-TOOTH NEUROPATHY, RECESSIVE INTERMEDIATE C. Identifiers: Orphanet 369867, MedGen C3809309, MONDO:0014154, OMIM 615376.
Neuronopathy, distal hereditary motor, autosomal recessive 4. Also called: NEUROPATHY, DISTAL HEREDITARY MOTOR, AUTOSOMAL RECESSIVE 4; Autosomal recessive lower motor neuron disease with childhood onset. Identifiers: Orphanet 206580, MedGen C1970211, MONDO:0012608, OMIM 611067.

Submission:

Labcorp Genetics (formerly Invitae), Labcorp
Classification: Uncertain significance for Neuronopathy, distal hereditary motor, autosomal recessive 4; Charcot-Marie-Tooth disease recessive intermediate C. Last evaluated: 2022-04-02. Review status: criteria provided, single submitter. Criteria: Invitae Variant Classification Sherloc (09022015). Collection method: clinical testing. Allele origin: germline.
Comment: In summary, the available evidence is currently insufficient to determine the role of this variant in disease. Therefore, it has been classified as a Variant of Uncertain Significance. Algorithms developed to predict the effect of missense changes on protein structure and function are either unavailable or do not agree on the potential impact of this missense change (SIFT: "Tolerated"; PolyPhen-2: "Probably Damaging"; Align-GVGD: "Class C0"). This variant has not been reported in the literature in individuals affected with PLEKHG5-related conditions. This variant is not present in population databases (gnomAD no frequency). This sequence change replaces phenylalanine, which is neutral and non-polar, with leucine, which is neutral and non-polar, at codon 250 of the PLEKHG5 protein (p.Phe250Leu).

NM_020631.6(PLEKHG5):c.748T>C (p.Phe250Leu)

Gene: PLEKHG5 (pleckstrin homology and RhoGEF domain containing G5; minus strand). Cytogenetic location: 1p36.31.
Variant type: single nucleotide variant.
Coding change: c.748T>C on transcript NM_020631.6 (MANE Select); coding-DNA position 748, T replaced by C.
Protein change: p.Phe250Leu; replaces phenylalanine 250 with leucine.
Molecular consequence: missense variant.
Genome position (GRCh38, 1-based): chr1:6,473,298, A>G on the plus strand (T>C on the coding strand, the complement: PLEKHG5 is on the minus strand). VCF-style: chr1-6473298-A-G. GRCh37 (hg19) VCF-style: chr1-6533358-A-G.
Other names: c.859T>C, p.Phe287Leu (NM_001042663.3, NM_001265592.2); c.748T>C, p.Phe250Leu (NM_001042664.2, NM_001042665.2, NM_001265594.3 and 1 more transcripts); c.955T>C, p.Phe319Leu (NM_001265593.2); short protein forms F319L, F287L, F250L.
Identifiers: ClinVar variation 2120894 (VCV002120894.4), dbSNP rs2523193434, ClinGen allele CA338136433.